The following is an entry in ClinVar:

NM_001134831.2(AHI1):c.1440+3A>G

Gene: AHI1 (Abelson helper integration site 1; minus strand). Cytogenetic location: 6q23.3.
Variant type: single nucleotide variant.
Coding change: c.1440+3A>G on transcript NM_001134831.2 (MANE Select); 3 bases into the intron after coding-DNA position 1440, A replaced by G.
Molecular consequence: intron variant.
Genome position (GRCh38, 1-based): chr6:135,453,338, T>C on the plus strand (A>G on the coding strand, the complement: AHI1 is on the minus strand). VCF-style: chr6-135453338-T-C. GRCh37 (hg19) VCF-style: chr6-135774476-T-C.
Other names: c.1440+3A>G (NM_001134830.2, NM_001350503.2, NM_017651.5 and 2 more transcripts).
Identifiers: ClinVar variation 2115247 (VCV002115247.1), dbSNP rs773032382, ClinGen allele CA4012597.

ClinVar aggregate classification (germline): Uncertain significance (1 of 4 stars; one submission).

Conditions:
Joubert syndrome. Also called: CEREBELLOPARENCHYMAL DISORDER IV; JOUBERT-BOLTSHAUSER SYNDROME; Familial aplasia of the vermis. Identifiers: Orphanet 475, MedGen C5979921, MONDO:0018772.

Allele frequency attached by ClinVar (database versions not stated): gnomAD exomes below 0.00001; ExAC 0.00004.
gnomAD v4.1: 5 of 1,553,596 alleles (0.00032%); highest among the groups gnomAD compares: East Asian, 0.0048%; no homozygotes.

Submission:

Labcorp Genetics (formerly Invitae), Labcorp
Classification: Uncertain significance for Joubert syndrome. Last evaluated: 2022-03-20. Review status: criteria provided, single submitter. Criteria: Invitae Variant Classification Sherloc (09022015). Collection method: clinical testing. Allele origin: germline.
Comment: This sequence change falls in intron 10 of the AHI1 gene. It does not directly change the encoded amino acid sequence of the AHI1 protein. It affects a nucleotide within the consensus splice site. This variant is present in population databases (rs773032382, gnomAD 0.009%). This variant has not been reported in the literature in individuals affected with AHI1-related conditions. Variants that disrupt the consensus splice site are a relatively common cause of aberrant splicing (PMID: 17576681, 9536098). Algorithms developed to predict the effect of sequence changes on RNA splicing suggest that this variant is not likely to affect RNA splicing. In summary, the available evidence is currently insufficient to determine the role of this variant in disease. Therefore, it has been classified as a Variant of Uncertain Significance.

Literature cited by the submitters: PubMed 17576681; PubMed 9536098.